The following is an entry in ClinVar:

ClinVar aggregate classification (germline): Benign/Likely benign. Review status: criteria provided, multiple submitters, no conflicts (2 of 4 stars). 9 submissions from 9 submitters: Benign (8); Likely benign (1). Last evaluated 2026-02-02.

Conditions:
Thrombocytopenia 2 (THC2). Also called: ANKRD26-Related Thrombocytopenia. Identifiers: Orphanet 268322, MedGen C1861185, MONDO:0008555, OMIM 188000.

Allele frequency attached by ClinVar (database versions not stated): ESP Exome Variant Server 0.00160; gnomAD 0.01072 and 0.01666; TOPMed 0.01116; gnomAD exomes 0.01679 and 0.03570; ExAC 0.03583; 1000 Genomes Project 30x 0.06074; 1000 Genomes Project 0.06729.
gnomAD v4.1: 27,064 of 1,608,624 alleles (1.7%); highest among the groups gnomAD compares: East Asian, 20%; 1,801 homozygotes.

Submissions (9):

Labcorp Genetics (formerly Invitae), Labcorp
Classification: Benign. Last evaluated: 2026-02-02. Review status: criteria provided, single submitter. Criteria: Invitae Variant Classification Sherloc (09022015). Collection method: clinical testing. Allele origin: germline.

Mayo Clinic Laboratories, Mayo Clinic
Classification: Benign. Last evaluated: 2025-07-22. Review status: criteria provided, single submitter. Criteria: ACMG Guidelines, 2015. Collection method: clinical testing. Allele origin: germline. Observed: 28 variant alleles.
Comment: BA1, BS2, BP4

Blueprint Genetics
Classification: Likely benign. Last evaluated: 2024-11-27. Review status: criteria provided, single submitter. Criteria: ACMG Guidelines, 2015. Collection method: clinical testing. Allele origin: germline.

ARUP Laboratories, Molecular Genetics and Genomics, ARUP Laboratories
Classification: Benign for Thrombocytopenia 2. Last evaluated: 2024-09-05. Review status: criteria provided, single submitter. Criteria: ARUP Molecular Germline Variant Investigation Process 2024. Collection method: clinical testing. Allele origin: germline.

Genome-Nilou Lab
Classification: Benign for Thrombocytopenia 2. Last evaluated: 2021-12-05. Review status: criteria provided, single submitter. Criteria: ACMG Guidelines, 2015. Collection method: clinical testing. Allele origin: germline. Affected: no.

GeneDx
Classification: Benign. Last evaluated: 2019-03-02. Review status: criteria provided, single submitter. Criteria: GeneDx Variant Classification Process June 2021. Collection method: clinical testing. Allele origin: germline. Affected: yes.

Illumina Laboratory Services, Illumina
Classification: Benign for Thrombocytopenia 2. Last evaluated: 2018-01-12. Review status: criteria provided, single submitter. Criteria: ICSL Variant Classification Criteria 13 December 2019. Collection method: clinical testing. Allele origin: germline.
Comment: This variant was observed in the ICSL laboratory as part of a predisposition screen in an ostensibly healthy population. It had not been previously curated by ICSL or reported in the Human Gene Mutation Database (HGMD: prior to June 1st, 2018), and was therefore a candidate for classification through an automated scoring system. Utilizing variant allele frequency, disease prevalence and penetrance estimates, and inheritance mode, an automated score was calculated to assess if this variant is too frequent to cause the disease. Based on the score and internal cut-off values, a variant classified as benign is not then subjected to further curation. The score for this variant resulted in a classification of benign for this disease.

Breakthrough Genomics
Classification: Benign. Review status: criteria provided, single submitter. Criteria: ACMG Guidelines, 2015. Collection method: not provided. Allele origin: germline. Inheritance: Autosomal dominant inheritance. Affected: yes.

PreventionGenetics, part of Exact Sciences
Classification: Benign. Review status: criteria provided, single submitter. Criteria: ACMG Guidelines, 2015. Collection method: clinical testing. Allele origin: germline.

Literature cited by the submitters: PubMed 31919106 (cited by Mayo Clinic Laboratories, Mayo Clinic).

NM_014915.3(ANKRD26):c.3658G>C (p.Val1220Leu)

Gene: ANKRD26 (ankyrin repeat domain 26; minus strand). Cytogenetic location: 10p12.1.
Variant type: single nucleotide variant.
Coding change: c.3658G>C on transcript NM_014915.3 (MANE Select); coding-DNA position 3658, G replaced by C.
Protein change: p.Val1220Leu; replaces valine 1220 with leucine.
Molecular consequence: missense variant.
Genome position (GRCh38, 1-based): chr10:27,033,374, C>G on the plus strand (G>C on the coding strand, the complement: ANKRD26 is on the minus strand). VCF-style: chr10-27033374-C-G. GRCh37 (hg19) VCF-style: chr10-27322303-C-G.
Other names: p.Val1220Leu; c.3655G>C, p.Val1219Leu (NM_001256053.2); short protein forms V1220L, V1219L.
Identifiers: ClinVar variation 260466 (VCV000260466.17), dbSNP rs12572862, ClinGen allele CA5447989.
Genomic context (GRCh38, chr10:27,033,374, plus strand): 5'-CCTCTGACATAGATTGTTTTTTTAGGGTATCAGCTAGTTCTTGTTGAAGTTGTCTCACAA[C>G]AACCTGATAAGACATTTTGTTACTGATTTTATAAATCACCTTATTATTAAGTTATGTTAA-3'
Protein context (NP_055730.2, residues 1210-1230): YENEKAEREV[Val1220Leu]VRQLQQELAD